The following is an entry in ClinVar:

NM_024753.5(TTC21B):c.1715C>A (p.Ser572Ter)

Gene: TTC21B (tetratricopeptide repeat domain 21B; minus strand). Cytogenetic location: 2q24.3.
Variant type: single nucleotide variant.
Coding change: c.1715C>A on transcript NM_024753.5 (MANE Select); coding-DNA position 1715, C replaced by A.
Protein change: p.Ser572Ter; replaces serine 572 with a stop codon.
Molecular consequence: nonsense.
Genome position (GRCh38, 1-based): chr2:165,917,441, G>T on the plus strand (C>A on the coding strand, the complement: TTC21B is on the minus strand). VCF-style: chr2-165917441-G-T. GRCh37 (hg19) VCF-style: chr2-166773951-G-T.
Other names: short protein forms S572*.
Identifiers: ClinVar variation 546034 (VCV000546034.12), dbSNP rs369159801, ClinGen allele CA1942035.

ClinVar aggregate classification (germline): Pathogenic/Likely pathogenic. Review status: criteria provided, multiple submitters, no conflicts (2 of 4 stars). 2 submissions from 2 submitters: Pathogenic (1); Likely pathogenic (1). Last evaluated 2026-01-13.

Conditions:
Jeune thoracic dystrophy. Also called: Jeune syndrome; Infantile thoracic dystrophy; Thoracic pelvic phalangeal dystrophy; Jeune's syndrome; Chondroectodermal dysplasia-like syndrome; Short-rib thoracic dysplasia. Identifiers: Orphanet 474, MedGen C0265275, MONDO:0018770.
Nephronophthisis. Also called: Juvenile Nephronophthisis. Identifiers: Orphanet 655, MedGen C0687120, MONDO:0019005, HP:0000090.

Allele frequency attached by ClinVar (database versions not stated): gnomAD exomes 0.00001 and 0.00002; TOPMed 0.00001; ExAC 0.00002; ESP Exome Variant Server 0.00008.
gnomAD v4.1: 5 of 1,613,856 alleles (0.00031%); highest among the groups gnomAD compares: Non-Finnish European, 0.00042%; no homozygotes.

Submissions (2):

Labcorp Genetics (formerly Invitae), Labcorp
Classification: Pathogenic for Jeune thoracic dystrophy; Nephronophthisis. Last evaluated: 2026-01-13. Review status: criteria provided, single submitter. Criteria: Invitae Variant Classification Sherloc (09022015). Collection method: clinical testing. Allele origin: germline.
Comment: This sequence change creates a premature translational stop signal (p.Ser572*) in the TTC21B gene. It is expected to result in an absent or disrupted protein product. Loss-of-function variants in TTC21B are known to be pathogenic (PMID: 18327258, 21068128, 21258341, 23559409, 24876116, 25492405, 27491411, 29068549). This variant is present in population databases (rs369159801, gnomAD 0.003%). This variant has not been reported in the literature in individuals affected with TTC21B-related conditions. ClinVar contains an entry for this variant (Variation ID: 546034). Algorithms developed to predict the effect of sequence changes on RNA splicing suggest that this variant may disrupt the consensus splice site. For these reasons, this variant has been classified as Pathogenic.

GeneDx
Classification: Likely pathogenic. Last evaluated: 2018-05-17. Review status: criteria provided, single submitter. Criteria: GeneDx Variant Classification (06012015). Collection method: clinical testing. Allele origin: germline. Affected: yes.
Comment: The S572X variant has not been published as a pathogenic variant, nor has it been reported as a benign variant to our knowledge. This variant is predicted to cause loss of normal protein function either through protein truncation or nonsense-mediated mRNA decay. The S572X variant is not observed at a significant frequency in large population cohorts (Lek et al., 2016). Therefore, this variant is likely pathogenic; however, the possibility that it is benign cannot be excluded.

Literature cited by the submitters: PubMed 18327258 (cited by Labcorp Genetics (formerly Invitae), Labcorp); PubMed 21068128 (cited by Labcorp Genetics (formerly Invitae), Labcorp); PubMed 21258341 (cited by Labcorp Genetics (formerly Invitae), Labcorp); PubMed 23559409 (cited by Labcorp Genetics (formerly Invitae), Labcorp); PubMed 24876116 (cited by Labcorp Genetics (formerly Invitae), Labcorp); PubMed 25492405 (cited by Labcorp Genetics (formerly Invitae), Labcorp); PubMed 27491411 (cited by Labcorp Genetics (formerly Invitae), Labcorp); PubMed 29068549 (cited by Labcorp Genetics (formerly Invitae), Labcorp).